The following is an entry in ClinVar:

ClinVar aggregate classification (germline): Uncertain significance (1 of 4 stars; one submission).

Conditions:
H syndrome. Also called: Asrar Facharzt Haque syndrome; Pigmented hypertrichosis and insulin-dependent diabetes mellitus; FAISALABAD HISTIOCYTOSIS; HISTIOCYTOSIS AND LYMPHADENOPATHY WITH OR WITHOUT CUTANEOUS, CARDIAC, AND/OR ENDOCRINE FEATURES, JOINT CONTRACTURES, AND/OR DEAFNESS; HYPERPIGMENTATION, CUTANEOUS, WITH HYPERTRICHOSIS, HEPATOSPLENOMEGALY, HEART ANOMALIES, AND HYPOGONADISM WITH OR WITHOUT HEARING LOSS; PIGMENTED HYPERTRICHOSIS WITH INSULIN-DEPENDENT DIABETES MELLITUS. Identifiers: Orphanet 168569, MedGen C1864445, MONDO:0011273, OMIM 602782.

Submission:

Labcorp Genetics (formerly Invitae), Labcorp
Classification: Uncertain significance for H syndrome. Last evaluated: 2022-03-15. Review status: criteria provided, single submitter. Criteria: Invitae Variant Classification Sherloc (09022015). Collection method: clinical testing. Allele origin: germline.
Comment: In summary, the available evidence is currently insufficient to determine the role of this variant in disease. Therefore, it has been classified as a Variant of Uncertain Significance. Algorithms developed to predict the effect of missense changes on protein structure and function (SIFT, PolyPhen-2, Align-GVGD) all suggest that this variant is likely to be disruptive. This variant has not been reported in the literature in individuals affected with SLC29A3-related conditions. This variant is not present in population databases (gnomAD no frequency). This sequence change replaces tyrosine, which is neutral and polar, with cysteine, which is neutral and slightly polar, at codon 428 of the SLC29A3 protein (p.Tyr428Cys).

NM_018344.6(SLC29A3):c.1283A>G (p.Tyr428Cys)

Gene: SLC29A3 (solute carrier family 29 member 3; plus strand). Cytogenetic location: 10q22.1.
Variant type: single nucleotide variant.
Coding change: c.1283A>G on transcript NM_018344.6 (MANE Select); coding-DNA position 1283, A replaced by G.
Protein change: p.Tyr428Cys; replaces tyrosine 428 with cysteine.
Molecular consequence: missense variant. On other transcripts: 3 prime UTR variant (1), non-coding transcript variant (2).
Genome position (GRCh38, 1-based): chr10:71,362,463, A>G. VCF-style: chr10-71362463-A-G. GRCh37 (hg19) VCF-style: chr10-73122220-A-G.
Other names: c.*512A>G (NM_001174098.2); c.1049A>G, p.Tyr350Cys (NM_001363518.2); short protein forms Y428C, Y350C.
Identifiers: ClinVar variation 2108862 (VCV002108862.4), dbSNP rs2492507157, ClinGen allele CA377117186.